The following is an entry in ClinVar:

ClinVar aggregate classification (germline): Conflicting classifications of pathogenicity. Review status: criteria provided, conflicting classifications (1 of 4 stars). 2 submissions from 2 submitters: Uncertain significance (1); Likely benign (1). Last evaluated 2025-05-02.

Conditions:
Hereditary pancreatitis (PCTT). Also called: PRSS1-Related Hereditary Pancreatitis; Hereditary chronic pancreatitis. Identifiers: Orphanet 676, MedGen C0238339, MONDO:0008185, OMIM 167800.

gnomAD v4.1: 46 of 1,613,932 alleles (0.0029%); highest among the groups gnomAD compares: East Asian, 0.0089%; no homozygotes.

Submissions (2):

Ambry Genetics
Classification: Uncertain significance for Hereditary pancreatitis. Last evaluated: 2025-05-02. Review status: criteria provided, single submitter. Criteria: Ambry Variant Classification Scheme 2023. Collection method: clinical testing. Allele origin: germline.
Comment: The c.788-5C>A intronic variant results from a C to A substitution 5 nucleotides upstream from coding exon 8 in the CPA1 gene. This nucleotide position is not well conserved in available vertebrate species. In silico splice site analysis predicts that this alteration will not have any significant effect on splicing. Based on the available evidence, the clinical significance of this variant remains unclear.

Labcorp Genetics (formerly Invitae), Labcorp
Classification: Likely benign. Last evaluated: 2025-03-04. Review status: criteria provided, single submitter. Criteria: Invitae Variant Classification Sherloc (09022015). Collection method: clinical testing. Allele origin: germline.

NM_001868.4(CPA1):c.788-5C>A

Gene: CPA1 (carboxypeptidase A1; plus strand). Cytogenetic location: 7q32.2.
Variant type: single nucleotide variant.
Coding change: c.788-5C>A on transcript NM_001868.4 (MANE Select); 5 bases into the intron before coding-DNA position 788, C replaced by A.
Molecular consequence: intron variant.
Genome position (GRCh38, 1-based): chr7:130,385,141, C>A. VCF-style: chr7-130385141-C-A. GRCh37 (hg19) VCF-style: chr7-130024982-C-A.
Identifiers: ClinVar variation 1558435 (VCV001558435.11), dbSNP rs201705049, ClinGen allele CA4484960.
Genomic context (GRCh38, chr7:130,385,141, plus strand): 5'-AACTGGATTCCAGAAGCCACAGAAGCTGGAGGAGCCACACCGCCATGCCCTCTGTCCCCC[C>A]ACAGTGTCCGGAGCCAGCAGTAACCCCTGCTCGGAGACTTACCACGGCAAGTTTGCCAAT-3'